The following is an entry in ClinVar:

ClinVar aggregate classification (germline): Likely benign. Review status: criteria provided, multiple submitters, no conflicts (2 of 4 stars). 3 submissions from 3 submitters: Likely benign (3). Last evaluated 2025-12-13.

Conditions:
Hereditary cancer-predisposing syndrome. Also called: Tumor predisposition; Hereditary neoplastic syndrome; Neoplastic Syndromes, Hereditary; Hereditary Cancer Syndrome. Identifiers: Orphanet 140162, MedGen C0027672, MeSH D009386, MONDO:0015356.
Tietz syndrome (TADS). Also called: ALBINISM-DEAFNESS OF TIETZ; TIETZ ALBINISM-DEAFNESS SYNDROME; HYPOPIGMENTATION/DEAFNESS OF TIETZ. Identifiers: Orphanet 42665, MedGen C0391816, MONDO:0007077, OMIM 103500.
Waardenburg syndrome type 2A (WS2A). Also called: WAARDENBURG SYNDROME WITHOUT DYSTOPIA CANTHORUM. Identifiers: Orphanet 3440, MedGen C1860339, MONDO:0008671, OMIM 193510.
Melanoma, cutaneous malignant, susceptibility to, 8. Also called: Cutaneous malignant melanoma 8; MELANOMA AND RENAL CELL CARCINOMA, SUSCEPTIBILITY TO. Identifiers: Orphanet 293822, MedGen C3152204, MONDO:0013759, OMIM 614456.

Allele frequency attached by ClinVar (database versions not stated): ExAC 0.00001; gnomAD 0.00001; TOPMed 0.00001; gnomAD exomes 0.00002.
gnomAD v4.1: 22 of 1,613,956 alleles (0.0014%); highest among the groups gnomAD compares: Non-Finnish European, 0.0019%; no homozygotes.

Submissions (3):

Labcorp Genetics (formerly Invitae), Labcorp
Classification: Likely benign for Melanoma, cutaneous malignant, susceptibility to, 8; Waardenburg syndrome type 2A; Tietz syndrome. Last evaluated: 2025-12-13. Review status: criteria provided, single submitter. Criteria: Invitae Variant Classification Sherloc (09022015). Collection method: clinical testing. Allele origin: germline.

Ambry Genetics
Classification: Likely benign for Hereditary cancer-predisposing syndrome. Last evaluated: 2024-12-08. Review status: criteria provided, single submitter. Criteria: Ambry Variant Classification Scheme 2023. Collection method: clinical testing. Allele origin: germline.

Laboratory for Molecular Medicine, Mass General Brigham Personalized Medicine
Classification: Likely benign. Last evaluated: 2017-02-02. Review status: criteria provided, single submitter. Criteria: LMM Criteria. Collection method: clinical testing. Allele origin: germline. Observed: 1 variant allele.
Comment: p.Pro486Pro in exon 10 of MITF: This variant is not expected to have clinical si gnificance because it does not alter an amino acid residue and is not located wi thin the splice consensus sequence. It has been identified in 1/66620 European c hromosomes by the Exome Aggregation Consortium (ExAC .org; dbSNP rs745749254).

NM_001354604.2(MITF):c.1476C>T (p.Pro492=)

Gene: MITF (melanocyte inducing transcription factor; plus strand). Cytogenetic location: 3p13.
Variant type: single nucleotide variant.
Coding change: c.1476C>T on transcript NM_001354604.2 (MANE Select); coding-DNA position 1476, C replaced by T.
Protein change: p.Pro492=; no amino-acid change (proline 492 retained).
Molecular consequence: synonymous variant.
Genome position (GRCh38, 1-based): chr3:69,965,143, C>T. VCF-style: chr3-69965143-C-T. GRCh37 (hg19) VCF-style: chr3-70014294-C-T.
Other names: c.1155C>T (NM_000248.3); c.1155C>T, p.Pro385= (NM_000248.4); c.1302C>T, p.Pro434= (NM_001184967.2, NM_001354608.2); c.1473C>T, p.Pro491= (NM_001354605.2); c.1455C>T, p.Pro485= (NM_001354606.2, NM_006722.3); c.1407C>T, p.Pro469= (NM_001354607.2); c.1137C>T, p.Pro379= (NM_198158.3); c.1458C>T, p.Pro486= (NM_198159.3); and 2 more.
Identifiers: ClinVar variation 517270 (VCV000517270.8), dbSNP rs745749254, ClinGen allele CA2490679.
Genomic context (GRCh38, chr3:69,965,143, plus strand): 5'-TGTCCCCACAAAAATGGGATCCAAACTGGAAGACATCCTGATGGACGACACCCTTTCTCC[C>T]GTCGGTGTCACTGATCCACTCCTTTCCTCAGTGTCCCCCGGAGCTTCCAAAACAAGCAGC-3'
Protein context (NP_001341533.1, residues 482-502): EDILMDDTLS[Pro492=]VGVTDPLLSS